The following is an entry in ClinVar:

ClinVar aggregate classification (germline): Pathogenic. Review status: criteria provided, multiple submitters, no conflicts (2 of 4 stars). 2 submissions from 2 submitters: Pathogenic (2). Last evaluated 2023-09-25.

Conditions:
Familial thoracic aortic aneurysm and aortic dissection (TAAD). Also called: Thoracic aortic aneurysms and dissections. Identifiers: Orphanet 91387, MedGen C4707243, MONDO:0019625.
Marfan syndrome (MFS). Also called: FBN1-Related Marfan Syndrome; Marfan syndrome type 1; Marfan's syndrome; Marfan syndrome, classic; MARFAN SYNDROME, TYPE I. Identifiers: Orphanet 284963, Orphanet 558, MedGen C0024796, MONDO:0007947, OMIM 154700.

Submissions (2):

Petrovsky National Research Centre of Surgery, The Federal Agency for Scientific Organizations
Classification: Pathogenic for Marfan syndrome. Last evaluated: 2023-09-25. Review status: criteria provided, single submitter. Criteria: ACMG Guidelines, 2015. Collection method: curation. Allele origin: inherited. Inheritance: Autosomal dominant inheritance. Affected: yes. Observed: 1 heterozygote.
Comment: This variant is not present in gnomAD database and located in a mutational hot spot and/or critical and well-established functional domain (PM1_strong according to Proposal for a Disease- and Gene-Specific Guideline for the Interpretation of Sequenced Variants in the FBN1 Gene for Marfan syndrome (PMID: 29875124). Based on this evidence, we consider it to classify the c.661del (p.Cys221Valfs*109) variant as Pathogenic with following criteria selected: PVS1, PM1, PM2, PM7.

Labcorp Genetics (formerly Invitae), Labcorp
Classification: Pathogenic for Marfan syndrome; Familial thoracic aortic aneurysm and aortic dissection. Last evaluated: 2019-02-22. Review status: criteria provided, single submitter. Criteria: Invitae Variant Classification Sherloc (09022015). Collection method: clinical testing. Allele origin: germline.
Comment: For these reasons, this variant has been classified as Pathogenic. Loss-of-function variants in FBN1 are known to be pathogenic (PMID: 17657824, 19293843). This variant has not been reported in the literature in individuals with FBN1-related conditions. This variant is not present in population databases (ExAC no frequency). This sequence change creates a premature translational stop signal (p.Cys221Valfs*109) in the FBN1 gene. It is expected to result in an absent or disrupted protein product.

Literature cited by the submitters: PubMed 17657824 (cited by Labcorp Genetics (formerly Invitae), Labcorp); PubMed 19293843 (cited by Labcorp Genetics (formerly Invitae), Labcorp).

NM_000138.5(FBN1):c.661del (p.Cys221fs)

Gene: FBN1 (fibrillin 1; minus strand). Cytogenetic location: 15q21.1.
Variant type: Deletion.
Coding change: c.661del on transcript NM_000138.5 (MANE Select); coding-DNA position 661, one base deleted (T; older notation c.661delT).
Protein change: p.Cys221fs; shifts the reading frame from cysteine 221.
Molecular consequence: frameshift variant.
Genome position (GRCh38, 1-based): chr15:48,537,686, A deleted on the plus strand (T on the coding strand, the reverse complement: FBN1 is on the minus strand). VCF-style (leftmost placement, unchanged base first): chr15-48537685-CA-C. GRCh37 (hg19) VCF-style: chr15-48829882-CA-C.
Other names: p.221fs; c.661delT (NM_000138.4); short protein forms C221fs.
Identifiers: ClinVar variation 638265 (VCV000638265.11), dbSNP rs1597593695, ClinGen allele CA915946612.
Genomic context (GRCh38, chr15:48,537,685, plus strand): 5'-GTGCGGATATTTGGAATGAAGCCACGGCGGCAGGGGTGAGGCTGGGCAGGACACATCTCA[CA>C]GGGGTGGCCCCAGGCTCGGCCGACTGTGGCACAGCAGAGCGTTTTTGTGCAGACAATCCC-3'